The following is an entry in ClinVar:

ClinVar aggregate classification (germline): Uncertain significance. Review status: criteria provided, multiple submitters, no conflicts (2 of 4 stars). 2 submissions from 2 submitters: Uncertain significance (2). Last evaluated 2024-01-15.

Conditions:
Nephronophthisis 16 (NPHP16). Identifiers: Orphanet 655, MedGen C3809320, MONDO:0014158, OMIM 615382.

Submissions (2):

Fulgent Genetics
Classification: Uncertain significance for Nephronophthisis 16. Last evaluated: 2024-01-15. Review status: criteria provided, single submitter. Criteria: ACMG Guidelines, 2015. Collection method: clinical testing. Allele origin: germline.

Labcorp Genetics (formerly Invitae), Labcorp
Classification: Uncertain significance for Nephronophthisis 16. Last evaluated: 2022-03-19. Review status: criteria provided, single submitter. Criteria: Invitae Variant Classification Sherloc (09022015). Collection method: clinical testing. Allele origin: germline.
Comment: This sequence change replaces alanine, which is neutral and non-polar, with leucine, which is neutral and non-polar, at codon 693 of the ANKS6 protein (p.Ala693Leu). This variant is present in population databases (no rsID available, gnomAD 0.2%). This variant has not been reported in the literature in individuals affected with ANKS6-related conditions. Algorithms developed to predict the effect of missense changes on protein structure and function are either unavailable or do not agree on the potential impact of this missense change (SIFT: "Not Available"; PolyPhen-2: "Benign"; Align-GVGD: "Not Available"). In summary, the available evidence is currently insufficient to determine the role of this variant in disease. Therefore, it has been classified as a Variant of Uncertain Significance.

NM_173551.5(ANKS6):c.2077_2078delinsTT (p.Ala693Leu)

Gene: ANKS6 (ankyrin repeat and sterile alpha motif domain containing 6; minus strand). Cytogenetic location: 9q22.33.
Variant type: Indel.
Coding change: c.2077_2078delinsTT on transcript NM_173551.5 (MANE Select); coding-DNA positions 2077 to 2078, GC replaced by TT.
Protein change: p.Ala693Leu; replaces alanine 693 with leucine.
Molecular consequence: missense variant.
Genome position (GRCh38, 1-based): chr9:98,768,145-98,768,146, GC replaced by AA on the plus strand (GC replaced by TT on the coding strand, the reverse complement: ANKS6 is on the minus strand). VCF-style: chr9-98768145-GC-AA. GRCh37 (hg19) VCF-style: chr9-101530427-GC-AA.
Other names: short protein forms A693L.
Identifiers: ClinVar variation 1520603 (VCV001520603.7), dbSNP rs2118011839, ClinGen allele CA2573144934.